The following is an entry in ClinVar:

ClinVar aggregate classification (germline): Uncertain significance (1 of 4 stars; one submission).

Conditions:
Nephronophthisis 1 (NPHP1). Also called: Nephronophthisis familial juvenile. Identifiers: Orphanet 655, Orphanet 93592, MedGen C1855681, MONDO:0009728, OMIM 256100.

gnomAD v4.1: 3 of 1,487,978 alleles (0.0002%); highest among the groups gnomAD compares: Non-Finnish European, 0.00028%; no homozygotes.

Submission:

MVZ Medizinische Genetik Mainz
Classification: Uncertain significance for Nephronophthisis 1. Last evaluated: 2025-02-06. Review status: criteria provided, single submitter. Criteria: UK Practice Guidelines For Variant Classification V4 01 2020. Collection method: clinical testing. Allele origin: germline. Inheritance: Autosomal recessive inheritance. Affected: yes. Observed: 1 variant allele.
Comment: ACMG Criteria: PS1_SUP,PM2_SUP,PM3_SUP,PP3

NM_001128178.3(NPHP1):c.1269+3A>T

Gene: NPHP1 (nephrocystin 1; minus strand). Cytogenetic location: 2q13.
Variant type: single nucleotide variant.
Coding change: c.1269+3A>T on transcript NM_001128178.3 (MANE Select); 3 bases into the intron after coding-DNA position 1269, A replaced by T.
Molecular consequence: intron variant.
Genome position (GRCh38, 1-based): chr2:110,147,913, T>A on the plus strand (A>T on the coding strand, the complement: NPHP1 is on the minus strand). VCF-style: chr2-110147913-T-A. GRCh37 (hg19) VCF-style: chr2-110905490-T-A.
Other names: c.1080+3A>T (NM_001128179.3); c.1266+3A>T (NM_001374256.1); c.1269+3A>T (NM_001374257.1); c.1434+3A>T (NM_207181.4); c.1437+3A>T (NM_000272.5).
Identifiers: ClinVar variation 3764792 (VCV003764792.1).